The following is an entry in ClinVar:

ClinVar aggregate classification (germline): Uncertain significance (1 of 4 stars; one submission).

Conditions:
Cardiovascular phenotype. Identifiers: MedGen CN230736.

Submission:

Ambry Genetics
Classification: Uncertain significance for Cardiovascular phenotype. Last evaluated: 2024-03-26. Review status: criteria provided, single submitter. Criteria: Ambry Variant Classification Scheme 2023. Collection method: clinical testing. Allele origin: germline.
Comment: The c.1187G>T (p.C396F) alteration is located in exon 8 (coding exon 8) of the CBL gene. This alteration results from a G to T substitution at nucleotide position 1187, causing the cysteine (C) at amino acid position 396 to be replaced by a phenylalanine (F). This variant was not reported in population-based cohorts in the Genome Aggregation Database (gnomAD). Another alteration at the same codon, c.1186T>C (p.C396R), has been detected in one individual with splenomegaly, developmental delay, hearing loss, optic atrophy, hypertension, cardiomyopathy, and a history of juvenile myelomonocytic leukemia (Loh, 2009). This amino acid position is highly conserved in available vertebrate species. This alteration is predicted to be deleterious by in silico analysis. Based on insufficient or conflicting evidence, the clinical significance of this alteration remains unclear.

Literature cited by the submitters: PubMed 19571318; PubMed 20694012.

NM_005188.4(CBL):c.1187G>T (p.Cys396Phe)

Gene: CBL (Cbl proto-oncogene; plus strand). Cytogenetic location: 11q23.3.
Variant type: single nucleotide variant.
Coding change: c.1187G>T on transcript NM_005188.4 (MANE Select); coding-DNA position 1187, G replaced by T.
Protein change: p.Cys396Phe; replaces cysteine 396 with phenylalanine.
Molecular consequence: missense variant.
Genome position (GRCh38, 1-based): chr11:119,278,257, G>T. VCF-style: chr11-119278257-G-T. GRCh37 (hg19) VCF-style: chr11-119148967-G-T.
Other names: short protein forms C396F.
Identifiers: ClinVar variation 3263627 (VCV003263627.1).